The following is an entry in ClinVar:

ClinVar aggregate classification (germline): Uncertain significance. Review status: criteria provided, single submitter (1 of 4 stars). 2 submissions from 2 submitters: Uncertain significance (1). 1 of the submissions does not count toward it. Last evaluated 2025-11-03.

Conditions:
Autosomal recessive retinitis pigmentosa. Identifiers: MedGen C0339526.

Allele frequency attached by ClinVar (database versions not stated): gnomAD exomes below 0.00001 and 0.00001; gnomAD 0.00001.
gnomAD v4.1: 4 of 1,551,322 alleles (0.00026%); no homozygotes.

Submissions (2):

Labcorp Genetics (formerly Invitae), Labcorp
Classification: Uncertain significance. Last evaluated: 2025-11-03. Review status: criteria provided, single submitter. Criteria: Invitae Variant Classification Sherloc (09022015). Collection method: clinical testing. Allele origin: germline.
Comment: This sequence change replaces phenylalanine, which is neutral and non-polar, with valine, which is neutral and non-polar, at codon 2844 of the EYS protein (p.Phe2844Val). This variant is present in population databases (no rsID available, gnomAD 0.01%). This variant has not been reported in the literature in individuals affected with EYS-related conditions. ClinVar contains an entry for this variant (Variation ID: 990435). Invitae Evidence Modeling of protein sequence and biophysical properties (such as structural, functional, and spatial information, amino acid conservation, physicochemical variation, residue mobility, and thermodynamic stability) indicates that this missense variant is expected to disrupt EYS protein function with a positive predictive value of 80%. In summary, the available evidence is currently insufficient to determine the role of this variant in disease. Therefore, it has been classified as a Variant of Uncertain Significance.

Natera, Inc.
Classification: Uncertain significance for Autosomal recessive retinitis pigmentosa. Last evaluated: 2020-10-29. Review status: no assertion criteria provided. Collection method: clinical testing. Allele origin: germline. Not counted in ClinVar's aggregate classification.

NM_001142800.2(EYS):c.8530T>G (p.Phe2844Val)

Genes: EYS (EGF-like photoreceptor maintenance factor; minus strand), PHF3 (PHD finger protein 3; plus strand). Cytogenetic location: 6q12.
Variant type: single nucleotide variant.
Coding change: c.8530T>G on transcript NM_001142800.2 (MANE Select); coding-DNA position 8530, T replaced by G.
Protein change: p.Phe2844Val; replaces phenylalanine 2844 with valine.
Molecular consequence: missense variant. On other transcripts: 3 prime UTR variant (5).
Genome position (GRCh38, 1-based): chr6:63,721,501, A>C on the plus strand (T>G on the coding strand, the complement: EYS is on the minus strand). VCF-style: chr6-63721501-A-C. GRCh37 (hg19) VCF-style: chr6-64431397-A-C.
Other names: c.*7793A>C (NM_001290259.2, NM_001370348.2, NM_001370349.2 and 2 more transcripts); c.8593T>G, p.Phe2865Val (NM_001292009.2); short protein forms F2844V, F2865V.
Identifiers: ClinVar variation 990435 (VCV000990435.4), dbSNP rs1249409942, ClinGen allele CA364384559.